The following is an entry in ClinVar:

ClinVar aggregate classification (germline): Pathogenic/Likely pathogenic. Review status: criteria provided, multiple submitters, no conflicts (2 of 4 stars). 2 submissions from 2 submitters: Pathogenic (1); Likely pathogenic (1). Last evaluated 2025-08-22.

Conditions:
Type 2 diabetes mellitus. Also called: Type II diabetes mellitus. Identifiers: MedGen C0011860, MeSH D003924, MONDO:0005148, OMIM 125853, HP:0005978.
Hyperinsulinemic hypoglycemia, familial, 1 (HHF1). Also called: Persistent hyperinsulinemic hypoglycemia of infancy; HYPERINSULINISM, FAMILIAL, WITH PANCREATIC NESIDIOBLASTOSIS; HYPOGLYCEMIA, HYPERINSULINEMIC, OF INFANCY; NESIDIOBLASTOSIS OF PANCREAS; Persistent Hyperinsulinemia Hypoglycemia of Infancy. Identifiers: Orphanet 276575, Orphanet 276598, MedGen C2931832, MONDO:0009734, OMIM 256450.

Submissions (2):

Myriad Genetics, Inc.
Classification: Pathogenic for Hyperinsulinemic hypoglycemia, familial, 1. Last evaluated: 2025-08-22. Review status: criteria provided, single submitter. Criteria: Myriad Autosomal Dominant, Autosomal Recessive and X-Linked Classification Criteria (2023). Collection method: clinical testing. Allele origin: unknown.
Comment: NM_000352.3(ABCC8):c.3007dupT(Y1003Lfs*111) is expected to be pathogenic in the context of familial hyperinsulinism, ABCC8-related. This variant is predicted to lead to an abnormal or absent protein product due to the creation of a premature termination codon in ABCC8, a gene where loss-of-function variants are known to be pathogenic. Please note: this variant was assessed in the context of healthy population screening.

Baylor Genetics
Classification: Likely pathogenic for Type 2 diabetes mellitus. Last evaluated: 2023-12-07. Review status: criteria provided, single submitter. Criteria: ACMG Guidelines, 2015. Collection method: clinical testing. Allele origin: unknown.

NM_000352.6(ABCC8):c.3007dup (p.Tyr1003fs)

Gene: ABCC8 (ATP binding cassette subfamily C member 8; minus strand). Cytogenetic location: 11p15.1.
Variant type: Duplication.
Coding change: c.3007dup on transcript NM_000352.6 (MANE Select); coding-DNA position 3007, one base duplicated (T; older notation c.3007dupT).
Protein change: p.Tyr1003fs; shifts the reading frame from tyrosine 1003.
Molecular consequence: frameshift variant. On other transcripts: non-coding transcript variant (1).
Genome position (GRCh38, 1-based): chr11:17,407,043, A duplicated on the plus strand (T on the coding strand, the reverse complement: ABCC8 is on the minus strand). VCF-style (leftmost placement, unchanged base first): chr11-17407042-T-TA. GRCh37 (hg19) VCF-style: chr11-17428589-T-TA.
Other names: c.3010dup, p.Tyr1004fs (NM_001287174.3); c.3073dup, p.Tyr1025fs (NM_001351295.2); c.3007dup, p.Tyr1003fs (NM_001351296.2); c.3004dup, p.Tyr1002fs (NM_001351297.2); short protein forms Y1002fs, Y1003fs, Y1004fs, Y1025fs.
Identifiers: ClinVar variation 3239837 (VCV003239837.2), dbSNP rs2496531528.